The following is an entry in ClinVar:

ClinVar aggregate classification (germline): Likely pathogenic (1 of 4 stars; one submission).

Submission:

Labcorp Genetics (formerly Invitae), Labcorp
Classification: Likely pathogenic. Last evaluated: 2023-05-24. Review status: criteria provided, single submitter. Criteria: Invitae Variant Classification Sherloc (09022015). Collection method: clinical testing. Allele origin: germline.
Comment: This variant is not present in population databases (gnomAD no frequency). In summary, the currently available evidence indicates that the variant is pathogenic, but additional data are needed to prove that conclusively. Therefore, this variant has been classified as Likely Pathogenic. Algorithms developed to predict the effect of sequence changes on RNA splicing suggest that this variant may disrupt the consensus splice site. This variant has not been reported in the literature in individuals affected with CYP11B2-related conditions. This sequence change affects a donor splice site in intron 3 of the CYP11B2 gene. It is expected to disrupt RNA splicing. Variants that disrupt the donor or acceptor splice site typically lead to a loss of protein function (PMID: 16199547), and loss-of-function variants in CYP11B2 are known to be pathogenic (PMID: 20494601, 22801770, 26936515).

Literature cited by the submitters: PubMed 16199547; PubMed 20494601; PubMed 22801770; PubMed 26936515.

NM_000498.3(CYP11B2):c.595+1G>T

Genes: CYP11B2 (cytochrome P450 family 11 subfamily B member 2; minus strand), LOC106799834 (CYP11B2 recombination region; plus strand). Cytogenetic location: 8q24.3.
Variant type: single nucleotide variant.
Coding change: c.595+1G>T on transcript NM_000498.3 (MANE Select); the canonical splice donor site of the intron after coding-DNA position 595, G replaced by T.
Molecular consequence: splice donor variant.
Genome position (GRCh38, 1-based): chr8:142,915,045, C>A on the plus strand (G>T on the coding strand, the complement: CYP11B2 is on the minus strand). VCF-style: chr8-142915045-C-A. GRCh37 (hg19) VCF-style: chr8-143996461-C-A.
Identifiers: ClinVar variation 2704004 (VCV002704004.3), dbSNP rs2488700696, ClinGen allele CA372390278.